The following is an entry in ClinVar:

ClinVar aggregate classification (germline): Uncertain significance (1 of 4 stars; one submission).

Allele frequency attached by ClinVar (database versions not stated): TOPMed 0.00003; gnomAD 0.00006.
gnomAD v4.1: 37 of 1,479,958 alleles (0.0025%); highest among the groups gnomAD compares: African/African-American, 0.0069%; no homozygotes.

Submission:

GeneDx
Classification: Uncertain significance. Last evaluated: 2022-11-02. Review status: criteria provided, single submitter. Criteria: GeneDx Variant Classification Process June 2021. Collection method: clinical testing. Allele origin: germline. Affected: yes.
Comment: In silico analysis supports that this missense variant has a deleterious effect on protein structure/function; Has not been previously published as pathogenic or benign to our knowledge

NM_001145026.2(PTPRQ):c.2270C>T (p.Thr757Ile)

Gene: PTPRQ (protein tyrosine phosphatase receptor type Q; plus strand). Cytogenetic location: 12q21.31.
Variant type: single nucleotide variant.
Coding change: c.2270C>T on transcript NM_001145026.2 (MANE Select); coding-DNA position 2270, C replaced by T.
Protein change: p.Thr757Ile; replaces threonine 757 with isoleucine.
Molecular consequence: missense variant.
Genome position (GRCh38, 1-based): chr12:80,496,529, C>T. VCF-style: chr12-80496529-C-T. GRCh37 (hg19) VCF-style: chr12-80890308-C-T.
Other names: short protein forms T757I.
Identifiers: ClinVar variation 2501376 (VCV002501376.1), dbSNP rs914901358, ClinGen allele CA240256922.